The following is an entry in ClinVar:

NC_000009.12:g.35658024C>G

Gene: RMRP (RNA component of mitochondrial RNA processing endoribonuclease; minus strand). Cytogenetic location: 9p13.3.
Variant type: single nucleotide variant.
Genome position: GRCh38 VCF-style: chr9-35658024-C-G. GRCh37 (hg19) VCF-style: chr9-35658021-C-G.
Identifiers: ClinVar variation 967226 (VCV000967226.9), dbSNP rs191438045, ClinGen allele CA587570202.

ClinVar aggregate classification (germline): Uncertain significance. Review status: criteria provided, multiple submitters, no conflicts (2 of 4 stars). 3 submissions from 3 submitters: Uncertain significance (2). 1 of the submissions does not count toward it. Last evaluated 2022-07-13.

Conditions:
Metaphyseal chondrodysplasia, McKusick type (CHH). Also called: Cartilage-hair hypoplasia; Cartilage-Hair Hypoplasia (CHH). Identifiers: Orphanet 175, MedGen C0220748, MONDO:0009595, OMIM 250250.
Anauxetic dysplasia. Identifiers: Orphanet 93347, MedGen C1846796, MONDO:0011773.

Submissions (3):

Women's Health and Genetics/Laboratory Corporation of America, LabCorp
Classification: Uncertain significance. Last evaluated: 2022-07-13. Review status: criteria provided, single submitter. Criteria: LabCorp Variant Classification Summary - May 2015. Collection method: clinical testing. Allele origin: germline.
Comment: Variant summary: RMRP n.-6G>C is located in the untranscribed region upstream of the RMRP gene region. The available data on variant occurrences in the general population are insufficient to allow any conclusion about variant significance. To our knowledge, no occurrence of n.-6G>C in individuals affected with Cartilage-Hair Hypoplasia and no experimental evidence demonstrating its impact on protein function have been reported. Two clinical diagnostic laboratories have submitted clinical-significance assessments for this variant to ClinVar after 2014 and all classified the variant as uncertain significance. Based on the evidence outlined above, the variant was classified as uncertain significance.

Labcorp Genetics (formerly Invitae), Labcorp
Classification: Uncertain significance for Anauxetic dysplasia. Last evaluated: 2022-07-06. Review status: criteria provided, single submitter. Criteria: Invitae Variant Classification Sherloc (09022015). Collection method: clinical testing. Allele origin: germline.
Comment: This variant occurs in the RMRP gene, which encodes an RNA molecule that does not result in a protein product. This variant is present in population databases (no rsID available, gnomAD 0.005%). This variant has not been reported in the literature in individuals affected with RMRP-related conditions. ClinVar contains an entry for this variant (Variation ID: 967226). Experimental studies and prediction algorithms are not available or were not evaluated, and the functional significance of this variant is currently unknown. In summary, the available evidence is currently insufficient to determine the role of this variant in disease. Therefore, it has been classified as a Variant of Uncertain Significance.

Natera, Inc.
Classification: Uncertain significance for Cartilage-hair hypoplasia. Last evaluated: 2020-10-23. Review status: no assertion criteria provided. Collection method: clinical testing. Allele origin: germline. Not counted in ClinVar's aggregate classification.